The following is an entry in ClinVar:

NM_001042492.3(NF1):c.7945G>A (p.Val2649Met)

Gene: NF1 (neurofibromin 1; plus strand). Cytogenetic location: 17q11.2.
Variant type: single nucleotide variant.
Coding change: c.7945G>A on transcript NM_001042492.3 (MANE Select); coding-DNA position 7945, G replaced by A.
Protein change: p.Val2649Met; replaces valine 2649 with methionine.
Molecular consequence: missense variant.
Genome position (GRCh38, 1-based): chr17:31,357,344, G>A. VCF-style: chr17-31357344-G-A. GRCh37 (hg19) VCF-style: chr17-29684362-G-A.
Other names: c.7882G>A, p.Val2628Met (NM_000267.4); short protein forms V2628M, V2649M.
Identifiers: ClinVar variation 457860 (VCV000457860.6), dbSNP rs1555536761, ClinGen allele CA399203515.

ClinVar aggregate classification (germline): Uncertain significance. Review status: criteria provided, multiple submitters, no conflicts (2 of 4 stars). 2 submissions from 2 submitters: Uncertain significance (2). Last evaluated 2024-04-29.

Conditions:
Neurofibromatosis, type 1 (NF1). Also called: VON RECKLINGHAUSEN DISEASE; Peripheral type neurofibromatosis; NEUROFIBROMATOSIS, TYPE I, SOMATIC; Neurofibromatosis, type I. Identifiers: Orphanet 636, MedGen C0027831, MONDO:0018975, OMIM 162200. Disease mechanism: loss of function.

Allele frequency attached by ClinVar (database versions not stated): gnomAD exomes below 0.00001.
gnomAD v4.1: 1 of 1,613,836 alleles (0.000062%); highest among the groups gnomAD compares: Non-Finnish European, 0.000085%; no homozygotes.

Submissions (2):

Labcorp Genetics (formerly Invitae), Labcorp
Classification: Uncertain significance for Neurofibromatosis, type 1. Last evaluated: 2024-04-29. Review status: criteria provided, single submitter. Criteria: Invitae Variant Classification Sherloc (09022015). Collection method: clinical testing. Allele origin: germline.
Comment: This sequence change replaces valine, which is neutral and non-polar, with methionine, which is neutral and non-polar, at codon 2628 of the NF1 protein (p.Val2628Met). This variant is not present in population databases (gnomAD no frequency). This variant has not been reported in the literature in individuals affected with NF1-related conditions. ClinVar contains an entry for this variant (Variation ID: 457860). Advanced modeling of protein sequence and biophysical properties (such as structural, functional, and spatial information, amino acid conservation, physicochemical variation, residue mobility, and thermodynamic stability) performed at Invitae indicates that this missense variant is expected to disrupt NF1 protein function with a positive predictive value of 95%. In summary, the available evidence is currently insufficient to determine the role of this variant in disease. Therefore, it has been classified as a Variant of Uncertain Significance.

Blueprint Genetics
Classification: Uncertain significance. Last evaluated: 2022-04-01. Review status: criteria provided, single submitter. Criteria: ACMG Guidelines, 2015. Collection method: clinical testing. Allele origin: germline.